The following is an entry in ClinVar:

ClinVar aggregate classification (germline): Conflicting classifications of pathogenicity. Review status: criteria provided, conflicting classifications (1 of 4 stars). 6 submissions from 6 submitters: Uncertain significance (1); Likely benign (3). 2 of the submissions do not count toward it. Last evaluated 2026-01-09.

Conditions:
Usher syndrome type 1C. Also called: USHER SYNDROME, TYPE I, ACADIAN VARIETY. Identifiers: Orphanet 231169, Orphanet 886, MedGen C1848604, MONDO:0010171, OMIM 276904.
USH1C-related disorder. Also called: USH1C-related condition.

Allele frequency attached by ClinVar (database versions not stated): gnomAD 0.00006 and 0.00007; TOPMed 0.00008; gnomAD exomes 0.00009 and 0.00013; ExAC 0.00019.
gnomAD v4.1: 153 of 1,611,484 alleles (0.0095%); highest among the groups gnomAD compares: Middle Eastern, 0.12%; 1 homozygote.

Submissions (6):

Labcorp Genetics (formerly Invitae), Labcorp
Classification: Likely benign. Last evaluated: 2026-01-09. Review status: criteria provided, single submitter. Criteria: Invitae Variant Classification Sherloc (09022015). Collection method: clinical testing. Allele origin: germline.

Blueprint Genetics
Classification: Likely benign. Last evaluated: 2024-09-25. Review status: criteria provided, single submitter. Criteria: ACMG Guidelines, 2015. Collection method: clinical testing. Allele origin: germline.

Illumina Laboratory Services, Illumina
Classification: Uncertain significance for Usher syndrome type 1C. Last evaluated: 2018-01-12. Review status: criteria provided, single submitter. Criteria: ICSL Variant Classification Criteria 13 December 2019. Collection method: clinical testing. Allele origin: germline.

Laboratory for Molecular Medicine, Mass General Brigham Personalized Medicine
Classification: Likely benign. Last evaluated: 2015-01-30. Review status: criteria provided, single submitter. Criteria: LMM Criteria. Collection method: clinical testing. Allele origin: germline. Observed: 1 variant allele.
Comment: p.Ala307Ala in exon 12 of USH1C: This variant is not expected to have clinical s ignificance because it does not alter an amino acid residue and is not located w ithin the splice consensus sequence. It has been identified in 9/9704 of Latino chromosomes by the Exome Aggregation Consortium (ExAC).

Natera, Inc.
Classification: Uncertain significance for Usher syndrome type 1C. Last evaluated: 2020-01-24. Review status: no assertion criteria provided. Collection method: clinical testing. Allele origin: germline. Not counted in ClinVar's aggregate classification.

PreventionGenetics, part of Exact Sciences
Classification: Likely benign for USH1C-related condition. Last evaluated: 2019-08-05. Review status: no assertion criteria provided. Collection method: clinical testing. Allele origin: germline. Not counted in ClinVar's aggregate classification.
Comment: This variant is classified as likely benign based on ACMG/AMP sequence variant interpretation guidelines (Richards et al. 2015 PMID: 25741868, with internal and published modifications).

NM_153676.4(USH1C):c.921G>A (p.Ala307=)

Gene: USH1C (USH1 protein network component harmonin; minus strand). Cytogenetic location: 11p15.1.
Variant type: single nucleotide variant.
Coding change: c.921G>A on transcript NM_153676.4 (MANE Select); coding-DNA position 921, G replaced by A.
Protein change: p.Ala307=; no amino-acid change (alanine 307 retained).
Molecular consequence: synonymous variant. On other transcripts: non-coding transcript variant (1).
Genome position (GRCh38, 1-based): chr11:17,522,882, C>T on the plus strand (G>A on the coding strand, the complement: USH1C is on the minus strand). VCF-style: chr11-17522882-C-T. GRCh37 (hg19) VCF-style: chr11-17544429-C-T.
Other names: c.864G>A, p.Ala288= (NM_001297764.2); c.921G>A, p.Ala307= (NM_005709.4).
Identifiers: ClinVar variation 228197 (VCV000228197.23), dbSNP rs778447994, ClinGen allele CA5904791.
Genomic context (GRCh38, chr11:17,522,882, plus strand): 5'-GGACTCCATCGCCAGCCGCTTCTGCATGAGAAGCTCCTGCCGCTGCAGCTCACGCTGCCG[C>T]GCCTCTGCCAGCCGCTCCCGGTCTGTCATGAACAGCTCCCGGCCCTCATGGGAGAAAAGA-3'
Protein context (NP_710142.1, residues 297-317): FMTDRERLAE[Ala307=]RQRELQRQEL